The following is an entry in ClinVar:

ClinVar aggregate classification (germline): Uncertain significance. Review status: criteria provided, multiple submitters, no conflicts (2 of 4 stars). 3 submissions from 3 submitters: Uncertain significance (3). Last evaluated 2026-03-12.

Conditions:
Familial cold autoinflammatory syndrome 3 (FCAS3). Also called: ANTIBODY DEFICIENCY AND IMMUNE DYSREGULATION, PLCG2-ASSOCIATED; FAMILIAL ATYPICAL COLD URTICARIA. Identifiers: Orphanet 300359, MedGen C3280914, MONDO:0013766, OMIM 614468.

Allele frequency attached by ClinVar (database versions not stated): gnomAD 0.00013 and 0.00014; gnomAD exomes 0.00002 and 0.00007; ESP Exome Variant Server 0.00017; TOPMed 0.00017; ExAC 0.00009.
gnomAD v4.1: 54 of 1,607,570 alleles (0.0034%); highest among the groups gnomAD compares: African/African-American, 0.041%; no homozygotes.

Submissions (3):

Dasa
Classification: Uncertain significance. Last evaluated: 2026-03-12. Review status: criteria provided, single submitter. Criteria: DASA Assertion Criteria. Collection method: clinical testing. Allele origin: germline.
Comment: NM_002661.5(PLCG2):c.2312A>G (p.Gln771Arg) is a missense variant that results in the substitution of glutamine with arginine. This variant is rare in population databases. Computational prediction algorithms are consistent with a benign effect. The currently available literature and clinical evidence are not sufficient to establish a definitive association between this variant and the reported condition. Therefore, this variant is classified as a variant of uncertain significance.

Labcorp Genetics (formerly Invitae), Labcorp
Classification: Uncertain significance for Familial cold autoinflammatory syndrome 3. Last evaluated: 2026-01-22. Review status: criteria provided, single submitter. Criteria: Invitae Variant Classification Sherloc (09022015). Collection method: clinical testing. Allele origin: germline.
Comment: This sequence change replaces glutamine, which is neutral and polar, with arginine, which is basic and polar, at codon 771 of the PLCG2 protein (p.Gln771Arg). This variant is present in population databases (rs201803492, gnomAD 0.03%), and has an allele count higher than expected for a pathogenic variant. This variant has not been reported in the literature in individuals affected with PLCG2-related conditions. ClinVar contains an entry for this variant (Variation ID: 540099). An algorithm developed to predict the effect of missense changes on protein structure and function (PolyPhen-2) suggests that this variant is likely to be tolerated. In summary, the available evidence is currently insufficient to determine the role of this variant in disease. Therefore, it has been classified as a Variant of Uncertain Significance.

Women's Health and Genetics/Laboratory Corporation of America, LabCorp
Classification: Uncertain significance. Last evaluated: 2024-07-22. Review status: criteria provided, single submitter. Criteria: LabCorp Variant Classification Summary - May 2015. Collection method: clinical testing. Allele origin: germline.
Comment: Variant summary: PLCG2 c.2312A>G (p.Gln771Arg) results in a conservative amino acid change located in the pleckstrin homology domain (IPR001849) of the encoded protein sequence. Four of five in-silico tools predict a benign effect of the variant on protein function. The variant allele was found at a frequency of 7.3e-05 in 246164 control chromosomes. This frequency is not significantly higher than estimated for a pathogenic variant in PLCG2 causing Autoinflammation-PLCG2 Antibody Deficiency-Immune Dysregulation, allowing no conclusion about variant significance. c.2312A>G has been reported in the literature in the heterozygous state in individuals affected with late onset Alzheimer's disease and autoinflammatory syndrome (e.g. Wilke_2024, Olive_2020). These report(s) do not provide unequivocal conclusions about association of the variant with Autoinflammation-PLCG2 Antibody Deficiency-Immune Dysregulation. To our knowledge, no experimental evidence demonstrating an impact on protein function has been reported. The following publications have been ascertained in the context of this evaluation (PMID: 32894242, 38790019). ClinVar contains an entry for this variant (Variation ID: 540099). Based on the evidence outlined above, the variant was classified as uncertain significance.

Literature cited by the submitters: PubMed 32894242 (cited by Women's Health and Genetics/Laboratory Corporation of America, LabCorp); PubMed 38790019 (cited by Women's Health and Genetics/Laboratory Corporation of America, LabCorp).

NM_002661.5(PLCG2):c.2312A>G (p.Gln771Arg)

Gene: PLCG2 (phospholipase C gamma 2; plus strand). Cytogenetic location: 16q23.3.
Variant type: single nucleotide variant.
Coding change: c.2312A>G on transcript NM_002661.5 (MANE Select); coding-DNA position 2312, A replaced by G.
Protein change: p.Gln771Arg; replaces glutamine 771 with arginine.
Molecular consequence: missense variant.
Genome position (GRCh38, 1-based): chr16:81,923,489, A>G. VCF-style: chr16-81923489-A-G. GRCh37 (hg19) VCF-style: chr16-81957094-A-G.
Other names: short protein forms Q771R.
Identifiers: ClinVar variation 540099 (VCV000540099.12), dbSNP rs201803492, ClinGen allele CA8194224.